The following is an entry in ClinVar:

ClinVar aggregate classification (germline): Uncertain significance. Review status: criteria provided, multiple submitters, no conflicts (2 of 4 stars). 2 submissions from 2 submitters: Uncertain significance (2). Last evaluated 2024-03-29.

Allele frequency attached by ClinVar (database versions not stated): gnomAD exomes 0.00001; TOPMed 0.00002.
gnomAD v4.1: 8 of 1,610,574 alleles (0.0005%); highest among the groups gnomAD compares: Non-Finnish European, 0.00068%; no homozygotes.

Submissions (2):

Ambry Genetics
Classification: Uncertain significance. Last evaluated: 2024-03-29. Review status: criteria provided, single submitter. Criteria: Ambry Variant Classification Scheme 2023. Collection method: clinical testing. Allele origin: germline.

Labcorp Genetics (formerly Invitae), Labcorp
Classification: Uncertain significance. Last evaluated: 2023-07-18. Review status: criteria provided, single submitter. Criteria: Invitae Variant Classification Sherloc (09022015). Collection method: clinical testing. Allele origin: germline.
Comment: This variant has not been reported in the literature in individuals affected with FBN3-related conditions. This variant is present in population databases (no rsID available, gnomAD 0.0009%). This sequence change replaces glycine, which is neutral and non-polar, with serine, which is neutral and polar, at codon 154 of the FBN3 protein (p.Gly154Ser). Algorithms developed to predict the effect of missense changes on protein structure and function output the following: SIFT: "Not Available"; PolyPhen-2: "Benign"; Align-GVGD: "Not Available". The serine amino acid residue is found in multiple mammalian species, which suggests that this missense change does not adversely affect protein function. In summary, the available evidence is currently insufficient to determine the role of this variant in disease. Therefore, it has been classified as a Variant of Uncertain Significance.

NM_032447.5(FBN3):c.460G>A (p.Gly154Ser)

Gene: FBN3 (fibrillin 3; minus strand). Cytogenetic location: 19p13.2.
Variant type: single nucleotide variant.
Coding change: c.460G>A on transcript NM_032447.5 (MANE Select); coding-DNA position 460, G replaced by A.
Protein change: p.Gly154Ser; replaces glycine 154 with serine.
Molecular consequence: missense variant.
Genome position (GRCh38, 1-based): chr19:8,144,958, C>T on the plus strand (G>A on the coding strand, the complement: FBN3 is on the minus strand). VCF-style: chr19-8144958-C-T. GRCh37 (hg19) VCF-style: chr19-8209842-C-T.
Other names: c.460G>A, p.Gly154Ser (NM_001321431.2); c.460G>A (NM_032447.3); short protein forms G154S.
Identifiers: ClinVar variation 2894325 (VCV002894325.4), dbSNP rs1381939281, ClinGen allele CA403723592.
Genomic context (GRCh38, chr19:8,144,958, plus strand): 5'-TGAAGCCATACACACAGGCGCAGCGGTTGGGCCCAATGCAGCGACCCCCATTGTGGCAGC[C>T]GCGGTCACAGATGGCTGTGGAGGAGAGAGGGTGATGGCTGGAGGTCCCCCAGCAGCAGAG-3'
Protein context (NP_115823.3, residues 144-164): TVCGQPICDR[Gly154Ser]CHNGGRCIGP